The following is an entry in ClinVar:

ClinVar aggregate classification (germline): Likely pathogenic. Review status: criteria provided, single submitter (1 of 4 stars). 2 submissions from 2 submitters: Likely pathogenic (1). 1 of the submissions does not count toward it. Last evaluated 2021-11-04.

Conditions:
Familial cardiomyopathy. Identifiers: MedGen C0264789, MONDO:0005217.
Hypertrophic cardiomyopathy 1 (CMH1). Also called: Familial hypertrophic cardiomyopathy 1; MYH7-Related Familial Hypertrophic Cardiomyopathy. Identifiers: MedGen C3495498, MONDO:0008647, OMIM 192600.

Submissions (2):

Institute of Human Genetics, University of Leipzig Medical Center
Classification: Likely pathogenic for Hypertrophic cardiomyopathy 1. Last evaluated: 2021-11-04. Review status: criteria provided, single submitter. Criteria: ACMG Guidelines, 2015. Collection method: clinical testing. Allele origin: unknown.
Comment: _x000D_ Criteria applied: PS4_MOD, PM2_SUP, PP1, PP2, PP3

Evolutionary and Medical Genetics Laboratory,  Centre for Cellular and Molecular Biology
Classification: Pathogenic. Review status: no assertion criteria provided. Collection method: not provided. Allele origin: unknown. Not counted in ClinVar's aggregate classification.
Comment: Missense mutation/Non-synonymous
ClinVar note: Converted during submission from pathogenic to Pathogenic.

NM_000257.4(MYH7):c.2686G>A (p.Asp896Asn)

Gene: MYH7 (myosin heavy chain 7; minus strand). Cytogenetic location: 14q11.2.
Variant type: single nucleotide variant.
Coding change: c.2686G>A on transcript NM_000257.4 (MANE Select); coding-DNA position 2686, G replaced by A.
Protein change: p.Asp896Asn; replaces aspartic acid 896 with asparagine.
Molecular consequence: missense variant.
Genome position (GRCh38, 1-based): chr14:23,424,143, C>T on the plus strand (G>A on the coding strand, the complement: MYH7 is on the minus strand). VCF-style: chr14-23424143-C-T. GRCh37 (hg19) VCF-style: chr14-23893352-C-T.
Other names: short protein forms D896N.
Identifiers: ClinVar variation 132908 (VCV000132908.3), dbSNP rs606231340, ClinGen allele CA012857.